The following is an entry in ClinVar:

NM_020361.5(CPA6):c.1121C>T (p.Thr374Met)

Genes: ARFGEF1-DT (ARFGEF1 divergent transcript; plus strand), CPA6 (carboxypeptidase A6; minus strand). Cytogenetic location: 8q13.2.
Variant type: single nucleotide variant.
Coding change: c.1121C>T on transcript NM_020361.5 (MANE Select); coding-DNA position 1121, C replaced by T.
Protein change: p.Thr374Met; replaces threonine 374 with methionine.
Molecular consequence: missense variant.
Genome position (GRCh38, 1-based): chr8:67,428,052, G>A on the plus strand (C>T on the coding strand, the complement: CPA6 is on the minus strand). VCF-style: chr8-67428052-G-A. GRCh37 (hg19) VCF-style: chr8-68340287-G-A.
Other names: short protein forms T374M.
Identifiers: ClinVar variation 977437 (VCV000977437.3), dbSNP rs769320961, ClinGen allele CA4772708.

ClinVar aggregate classification (germline): Uncertain significance (1 of 4 stars; one submission).

Conditions:
Familial temporal lobe epilepsy 5. Identifiers: MedGen C3280730, MONDO:0013741, OMIM 614417.

Allele frequency attached by ClinVar (database versions not stated): ExAC 0.00002; gnomAD exomes 0.00002; gnomAD 0.00003 and 0.00004; TOPMed 0.00003.
gnomAD v4.1: 15 of 1,605,214 alleles (0.00093%); highest among the groups gnomAD compares: African/African-American, 0.012%; no homozygotes.

Submission:

New York Genome Center
Classification: Uncertain significance for Familial temporal lobe epilepsy 5. Last evaluated: 2021-12-20. Review status: criteria provided, single submitter. Criteria: NYGC Assertion Criteria 2020. Collection method: clinical testing. Allele origin: inherited. Observed: 1 heterozygote. Study: CSER-NYCKidSeq.
Comment: The p.Thr374Met variant has not been reported in affected individuals in the literature. The variant has 0.000021 allele frequency in the gnomAD database (6 out of 281,778 heterozygous alleles) indicating it is an extremely rare allele in the general population. p.Thr374Met variant affects anevolutionary conserved residue and is predicted deleterious by different in silico tools. However, functional studies have not been performed to evaluate the potential consequences of this variant on the normal function(s) of CPA6 protein. Based on the current evidence, the p.Thr374Met variant in the CPA6 gene is assessed as a variant of uncertain significance.